The following is an entry in ClinVar:

NM_004752.4(GCM2):c.782A>T (p.Tyr261Phe)

Gene: GCM2 (glial cells missing transcription factor 2; minus strand). Cytogenetic location: 6p24.2.
Variant type: single nucleotide variant.
Coding change: c.782A>T on transcript NM_004752.4 (MANE Select); coding-DNA position 782, A replaced by T.
Protein change: p.Tyr261Phe; replaces tyrosine 261 with phenylalanine.
Molecular consequence: missense variant.
Genome position (GRCh38, 1-based): chr6:10,874,734, T>A on the plus strand (A>T on the coding strand, the complement: GCM2 is on the minus strand). VCF-style: chr6-10874734-T-A. GRCh37 (hg19) VCF-style: chr6-10874967-T-A.
Other names: short protein forms Y261F.
Identifiers: ClinVar variation 64540 (VCV000064540.2), dbSNP rs387907430, ClinGen allele CA216365.

ClinVar aggregate classification (germline): Uncertain significance (0 of 4 stars; one submission).

Submission:

Martin Pollak Laboratory,  Beth Israel Deaconess Medical Center
Classification: Uncertain significance. Review status: no assertion criteria provided. Collection method: not provided. Allele origin: unknown.
Comment: Lower and higher UCa2+ groups
ClinVar note: Converted during submission from unknown to Uncertain significance.